The following is an entry in ClinVar:

ClinVar aggregate classification (germline): Uncertain significance. Review status: criteria provided, multiple submitters, no conflicts (2 of 4 stars). 4 submissions from 4 submitters: Uncertain significance (3). 1 of the submissions does not count toward it. Last evaluated 2025-07-27.

Conditions:
Fanconi anemia (FA). Also called: Fanconi's anemia. Identifiers: Orphanet 84, MedGen C0015625, MeSH D005199, MONDO:0019391.
Fanconi anemia complementation group A (FANCA). Also called: FANCA-Related Fanconi Anemia; Fanconi anemia, group A. Identifiers: Orphanet 84, MedGen C3469521, MONDO:0009215, OMIM 227650.

Allele frequency attached by ClinVar (database versions not stated): gnomAD 0.00001; gnomAD exomes 0.00002.
gnomAD v4.1: 35 of 1,614,024 alleles (0.0022%); highest among the groups gnomAD compares: Non-Finnish European, 0.0024%; no homozygotes.

Submissions (4):

Quest Diagnostics Nichols Institute San Juan Capistrano
Classification: Uncertain significance. Last evaluated: 2025-07-27. Review status: criteria provided, single submitter. Criteria: Quest Diagnostics criteria. Collection method: clinical testing. Allele origin: unknown.
Comment: The FANCA c.133G>A (p.Glu45Lys) variant has not been reported in individuals with FANCA-related conditions in the published literature. The frequency of this variant in the general population (Genome Aggregation Database) is uninformative in the assessment of its pathogenicity. Analysis of this variant using bioinformatics tools for the prediction of the effect of amino acid changes on protein structure and function yielded predictions that this variant is benign. Based on the available information, we are unable to determine the clinical significance of this variant.

Fulgent Genetics
Classification: Uncertain significance for Fanconi anemia complementation group A. Last evaluated: 2024-01-16. Review status: criteria provided, single submitter. Criteria: ACMG Guidelines, 2015. Collection method: clinical testing. Allele origin: germline.

Labcorp Genetics (formerly Invitae), Labcorp
Classification: Uncertain significance for Fanconi anemia. Last evaluated: 2022-08-22. Review status: criteria provided, single submitter. Criteria: Invitae Variant Classification Sherloc (09022015). Collection method: clinical testing. Allele origin: germline.
Comment: This sequence change replaces glutamic acid, which is acidic and polar, with lysine, which is basic and polar, at codon 45 of the FANCA protein (p.Glu45Lys). This variant is present in population databases (rs142990858, gnomAD 0.009%). This variant has not been reported in the literature in individuals affected with FANCA-related conditions. ClinVar contains an entry for this variant (Variation ID: 408182). Advanced modeling of protein sequence and biophysical properties (such as structural, functional, and spatial information, amino acid conservation, physicochemical variation, residue mobility, and thermodynamic stability) performed at Invitae indicates that this missense variant is not expected to disrupt FANCA protein function. In summary, the available evidence is currently insufficient to determine the role of this variant in disease. Therefore, it has been classified as a Variant of Uncertain Significance.

Natera, Inc.
Classification: Uncertain significance for Fanconi anemia. Last evaluated: 2019-10-28. Review status: no assertion criteria provided. Collection method: clinical testing. Allele origin: germline. Not counted in ClinVar's aggregate classification.

Literature cited by the submitters: PubMed 31370007 (cited by Quest Diagnostics Nichols Institute San Juan Capistrano).

NM_000135.4(FANCA):c.133G>A (p.Glu45Lys)

Gene: FANCA (FA complementation group A; minus strand). Cytogenetic location: 16q24.3.
Variant type: single nucleotide variant.
Coding change: c.133G>A on transcript NM_000135.4 (MANE Select); coding-DNA position 133, G replaced by A.
Protein change: p.Glu45Lys; replaces glutamic acid 45 with lysine.
Molecular consequence: missense variant.
Genome position (GRCh38, 1-based): chr16:89,815,933, C>T on the plus strand (G>A on the coding strand, the complement: FANCA is on the minus strand). VCF-style: chr16-89815933-C-T. GRCh37 (hg19) VCF-style: chr16-89882341-C-T.
Other names: c.133G>A, p.Glu45Lys (NM_001286167.3, NM_001018112.3, NM_001351830.2); c.133G>A (LRG_495t1, NM_000135.3); short protein forms E45K.
Identifiers: ClinVar variation 408182 (VCV000408182.8), dbSNP rs142990858, ClinGen allele CA8253162.
Genomic context (GRCh38, chr16:89,815,933, plus strand): 5'-TTACCTCAAGCAAAAGGGCATTCAGGTCCTGATGGCTTCGCAGGAGGCGCACAGCTGATT[C>T]CTTTAATTTCTGTGCCCTTTCAGGATTATATTTTTCCCTCTTGACCCTTCCCGCTACGGA-3'
Protein context (NP_000126.2, residues 35-55): YNPERAQKLK[Glu45Lys]SAVRLLRSHQ